The following is an entry in ClinVar:

NM_018896.5(CACNA1G):c.4489G>A (p.Asp1497Asn)

Gene: CACNA1G (calcium voltage-gated channel subunit alpha1 G; plus strand). Cytogenetic location: 17q21.33.
Variant type: single nucleotide variant.
Coding change: c.4489G>A on transcript NM_018896.5 (MANE Select); coding-DNA position 4489, G replaced by A.
Protein change: p.Asp1497Asn; replaces aspartic acid 1497 with asparagine.
Molecular consequence: missense variant. On other transcripts: non-coding transcript variant (5).
Genome position (GRCh38, 1-based): chr17:50,606,966, G>A. VCF-style: chr17-50606966-G-A. GRCh37 (hg19) VCF-style: chr17-48684327-G-A.
Other names: c.4489G>A, p.Asp1497Asn (NM_001256324.2, NM_001256325.2, NM_001256326.2 and 16 more transcripts); c.4420G>A, p.Asp1474Asn (NM_001256332.2, NM_198376.3, NM_198379.3 and 5 more transcripts); short protein forms D1474N, D1497N.
Identifiers: ClinVar variation 5017684 (VCV005017684.1).
Genomic context (GRCh38, chr17:50,606,966, plus strand): 5'-ATGTCCCTGTTCGTTTTGGCCTCCAAGGATGGTTGGGTGGACATCATGTACGATGGGCTG[G>A]ATGCTGTGGGCGTGGACCAGCAGGTAGGGCTGAGGTGGGCAGGATCCATCTGTGGGCTCA-3'
Protein context (NP_061496.2, residues 1487-1507): GWVDIMYDGL[Asp1497Asn]AVGVDQQPIM

ClinVar aggregate classification (germline): Uncertain significance (1 of 4 stars; one submission).

Submission:

GeneDx
Classification: Uncertain significance. Last evaluated: 2026-03-26. Review status: criteria provided, single submitter. Criteria: GeneDx Variant Classification Process June 2021. Collection method: clinical testing. Allele origin: germline.
Comment: Not observed at significant frequency in large population cohorts (gnomAD); In silico analysis supports that this missense variant has a deleterious effect on protein structure/function; Has not been previously published as pathogenic or benign to our knowledge